The following is an entry in ClinVar:

NM_002485.5(NBN):c.995-2A>C

Gene: NBN (nibrin; minus strand). Cytogenetic location: 8q21.3.
Variant type: single nucleotide variant.
Coding change: c.995-2A>C on transcript NM_002485.5 (MANE Select); the canonical splice acceptor site of the intron before coding-DNA position 995, A replaced by C.
Molecular consequence: splice acceptor variant.
Genome position (GRCh38, 1-based): chr8:89,958,856, T>G on the plus strand (A>C on the coding strand, the complement: NBN is on the minus strand). VCF-style: chr8-89958856-T-G. GRCh37 (hg19) VCF-style: chr8-90971084-T-G.
Other names: c.749-2A>C (NM_001024688.3).
Identifiers: ClinVar variation 553796 (VCV000553796.11), dbSNP rs876659521, ClinGen allele CA371656828.

ClinVar aggregate classification (germline): Likely pathogenic. Review status: criteria provided, multiple submitters, no conflicts (2 of 4 stars). 5 submissions from 5 submitters: Likely pathogenic (4). 1 of the submissions does not count toward it. Last evaluated 2025-07-09.

Conditions:
Hereditary cancer-predisposing syndrome. Also called: Hereditary Cancer Syndrome; Hereditary neoplastic syndrome; Neoplastic Syndromes, Hereditary; Tumor predisposition. Identifiers: Orphanet 140162, MedGen C0027672, MeSH D009386, MONDO:0015356.
Microcephaly, normal intelligence and immunodeficiency (NBS). Also called: Ataxia telangiectasia variant V1; IMMUNODEFICIENCY, MICROCEPHALY, AND CHROMOSOMAL INSTABILITY; SEEMANOVA SYNDROME II; Nijmegen breakage syndrome; Microcephaly with normal intelligence immunodeficiency and lymphoreticular malignancies; Nonsyndromal microcephaly autosomal recessive with normal intelligence. Identifiers: Orphanet 647, MedGen C0398791, MONDO:0009623, OMIM 251260.

Submissions (5):

Myriad Genetics, Inc.
Classification: Likely pathogenic for Microcephaly, normal intelligence and immunodeficiency. Last evaluated: 2025-07-09. Review status: criteria provided, single submitter. Criteria: Myriad Autosomal Dominant, Autosomal Recessive and X-Linked Classification Criteria (2023). Collection method: clinical testing. Allele origin: unknown.
Comment: NM_002485.4(NBN):c.995-2A>C is a variant in a canonical splice site classified as likely pathogenic in the context of Nijmegen breakage syndrome. c.995-2A>C has been observed in a case with relevant disease (PMID: 39007137). Relevant functional assessments of this variant are not available in the literature. c.995-2A>C has not been observed in referenced population frequency databases. In summary, NM_002485.4(NBN):c.995-2A>C is a variant in a canonical splice site in a gene where loss of function is a known mechanism of disease and is predicted to disrupt protein function. Please note: this variant was assessed in the context of healthy population screening.

Natera, Inc.
Classification: Likely pathogenic for Nijmegen breakage syndrome. Last evaluated: 2024-07-29. Review status: criteria provided, single submitter. Criteria: Natera Variant Classification Schema (03/2026). Collection method: clinical testing. Allele origin: germline.
Comment: The c.995-2A>C variant in NBN is a canonical splice acceptor site variant predicted to affect pre-mRNA splicing, which may result in an abnormal transcript and altered protein product. This variant is expected to result in nonsense mediated decay, truncation, or a dysfunctional protein product. This variant is rare in the general population with a frequency below the threshold expected for the associated phenotype(s). Given the available evidence, this variant is classified as Likely Pathogenic.

Ambry Genetics
Classification: Likely pathogenic for Hereditary cancer-predisposing syndrome. Last evaluated: 2024-03-01. Review status: criteria provided, single submitter. Criteria: Ambry Variant Classification Scheme 2023. Collection method: clinical testing. Allele origin: germline.
Comment: The c.995-2A>C intronic variant results from an A to C substitution two nucleotides upstream from coding exon 9 in the NBN gene. This nucleotide position is highly conserved in available vertebrate species. This variant is considered to be rare based on population cohorts in the Genome Aggregation Database (gnomAD). In silico splice site analysis predicts that this alteration will weaken the native splice acceptor site and will result in the creation or strengthening of a novel splice acceptor site. Alterations that disrupt the canonical splice site are expected to cause aberrant splicing, resulting in an abnormal protein or a transcript that is subject to nonsense-mediated mRNA decay. As such, this alteration is classified as likely pathogenic.

Labcorp Genetics (formerly Invitae), Labcorp
Classification: Likely pathogenic for Microcephaly, normal intelligence and immunodeficiency. Last evaluated: 2023-04-08. Review status: criteria provided, single submitter. Criteria: Invitae Variant Classification Sherloc (09022015). Collection method: clinical testing. Allele origin: germline.
Comment: In summary, the currently available evidence indicates that the variant is pathogenic, but additional data are needed to prove that conclusively. Therefore, this variant has been classified as Likely Pathogenic. Algorithms developed to predict the effect of sequence changes on RNA splicing suggest that this variant may disrupt the consensus splice site. ClinVar contains an entry for this variant (Variation ID: 553796). This variant has not been reported in the literature in individuals affected with NBN-related conditions. This variant is not present in population databases (gnomAD no frequency). This sequence change affects an acceptor splice site in intron 8 of the NBN gene. It is expected to disrupt RNA splicing. Variants that disrupt the donor or acceptor splice site typically lead to a loss of protein function (PMID: 16199547), and loss-of-function variants in NBN are known to be pathogenic (PMID: 9590180, 16415040).

Counsyl
Classification: Likely pathogenic for Microcephaly, normal intelligence and immunodeficiency. Last evaluated: 2017-09-07. Review status: no assertion criteria provided. Collection method: clinical testing. Allele origin: unknown. Not counted in ClinVar's aggregate classification.

Literature cited by the submitters: PubMed 39007137 (cited by Myriad Genetics, Inc.); PubMed 16199547 (cited by Labcorp Genetics (formerly Invitae), Labcorp); PubMed 9590180 (cited by Labcorp Genetics (formerly Invitae), Labcorp); PubMed 16415040 (cited by Labcorp Genetics (formerly Invitae), Labcorp).